The following is an entry in ClinVar:

NM_000257.4(MYH7):c.3802C>T (p.Arg1268Cys)

Gene: MYH7 (myosin heavy chain 7; minus strand). Cytogenetic location: 14q11.2.
Variant type: single nucleotide variant.
Coding change: c.3802C>T on transcript NM_000257.4 (MANE Select); coding-DNA position 3802, C replaced by T.
Protein change: p.Arg1268Cys; replaces arginine 1268 with cysteine.
Molecular consequence: missense variant.
Genome position (GRCh38, 1-based): chr14:23,419,534, G>A on the plus strand (C>T on the coding strand, the complement: MYH7 is on the minus strand). VCF-style: chr14-23419534-G-A. GRCh37 (hg19) VCF-style: chr14-23888743-G-A.
Other names: short protein forms R1268C.
Identifiers: ClinVar variation 918218 (VCV000918218.7), dbSNP rs1892379072, ClinGen allele CA389042033.

ClinVar aggregate classification (germline): Uncertain significance. Review status: criteria provided, multiple submitters, no conflicts (2 of 4 stars). 3 submissions from 3 submitters: Uncertain significance (3). Last evaluated 2023-11-20.

Conditions:
Cardiomyopathy (CMYO). Also called: Cardiomyopathies. Identifiers: Orphanet 167848, MedGen C0878544, MONDO:0004994, HP:0001638. Inheritance: Various modes of inheritance.

gnomAD v4.1: 1 of 1,614,070 alleles (0.000062%); highest among the groups gnomAD compares: Non-Finnish European, 0.000085%; no homozygotes.

Submissions (3):

All of Us Research Program, National Institutes of Health
Classification: Uncertain significance for Cardiomyopathy. Last evaluated: 2023-11-20. Review status: criteria provided, single submitter. Criteria: ACMG Guidelines, 2015. Collection method: clinical testing. Allele origin: germline. Inheritance: Autosomal dominant inheritance. Observed: 1 variant allele, 1 heterozygote.
Comment: This missense variant replaces arginine with cysteine at codon 1268 of the MYH7 protein. Computational prediction suggests that this variant may have deleterious impact on protein structure and function (internally defined REVEL score threshold >= 0.7, PMID: 27666373). To our knowledge, functional studies have not been reported for this variant. This variant has not been reported in individuals affected with MYH7-related disorders in the literature. This variant has not been identified in the general population by the Genome Aggregation Database (gnomAD). The available evidence is insufficient to determine the role of this variant in disease conclusively. Therefore, this variant is classified as a Variant of Uncertain Significance.

This study involves interpretation of variants in research participants for the purpose of population health screening. Participant phenotype was not available at the time of variant classification. Additional details can be found in publication PMID: 35346344, PMCID: PMC8962531

Color Diagnostics, LLC DBA Color Health
Classification: Uncertain significance for Cardiomyopathy. Last evaluated: 2023-09-20. Review status: criteria provided, single submitter. Criteria: ACMG Guidelines, 2015. Collection method: clinical testing. Allele origin: germline.
Comment: This missense variant replaces arginine with cysteine at codon 1268 of the MYH7 protein. Computational prediction suggests that this variant may have deleterious impact on protein structure and function (internally defined REVEL score threshold >= 0.7, PMID: 27666373). To our knowledge, functional studies have not been reported for this variant. This variant has not been reported in individuals affected with MYH7-related disorders in the literature. This variant has not been identified in the general population by the Genome Aggregation Database (gnomAD). The available evidence is insufficient to determine the role of this variant in disease conclusively. Therefore, this variant is classified as a Variant of Uncertain Significance.

Blueprint Genetics
Classification: Uncertain significance. Last evaluated: 2021-11-05. Review status: criteria provided, single submitter. Criteria: ACMG Guidelines, 2015. Collection method: clinical testing. Allele origin: germline.